The following is an entry in ClinVar:

ClinVar aggregate classification (germline): Uncertain significance. Review status: criteria provided, multiple submitters, no conflicts (2 of 4 stars). 4 submissions from 4 submitters: Uncertain significance (4). Last evaluated 2026-03-01.

Allele frequency attached by ClinVar (database versions not stated): ESP Exome Variant Server 0.00008; TOPMed 0.00008; ExAC 0.00009; gnomAD exomes 0.00011; gnomAD 0.00013 and 0.00014; 1000 Genomes Project 30x 0.00016; 1000 Genomes Project 0.00020.
gnomAD v4.1: 154 of 1,614,178 alleles (0.0095%); highest among the groups gnomAD compares: East Asian, 0.013%; no homozygotes.

Submissions (4):

CeGaT Center for Human Genetics Tuebingen
Classification: Uncertain significance. Last evaluated: 2026-03-01. Review status: criteria provided, single submitter. Criteria: CeGaT Center For Human Genetics Tuebingen Variant Classification Criteria Version 2. Collection method: clinical testing. Allele origin: germline. Affected: yes. Observed: 1 variant allele.
Comment: MSRB3: PM2, BP4

Labcorp Genetics (formerly Invitae), Labcorp
Classification: Uncertain significance. Last evaluated: 2025-07-03. Review status: criteria provided, single submitter. Criteria: Invitae Variant Classification Sherloc (09022015). Collection method: clinical testing. Allele origin: germline.
Comment: This sequence change replaces alanine, which is neutral and non-polar, with threonine, which is neutral and polar, at codon 175 of the MSRB3 protein (p.Ala175Thr). This variant is present in population databases (rs142488075, gnomAD 0.02%). This variant has not been reported in the literature in individuals affected with MSRB3-related conditions. ClinVar contains an entry for this variant (Variation ID: 1369059). An algorithm developed to predict the effect of missense changes on protein structure and function outputs the following: PolyPhen-2: "Benign". The threonine amino acid residue is found in multiple mammalian species, which suggests that this missense change does not adversely affect protein function. In summary, the available evidence is currently insufficient to determine the role of this variant in disease. Therefore, it has been classified as a Variant of Uncertain Significance.

Blueprint Genetics
Classification: Uncertain significance. Last evaluated: 2024-11-01. Review status: criteria provided, single submitter. Criteria: ACMG Guidelines, 2015. Collection method: clinical testing. Allele origin: germline.

Mayo Clinic Laboratories, Mayo Clinic
Classification: Uncertain significance. Last evaluated: 2023-05-09. Review status: criteria provided, single submitter. Criteria: ACMG Guidelines, 2015. Collection method: clinical testing. Allele origin: germline. Observed: 1 variant allele.
Comment: BP4, PM1_supporting

NM_001031679.3(MSRB3):c.502G>A (p.Ala168Thr)

Gene: MSRB3 (methionine sulfoxide reductase B3; plus strand). Cytogenetic location: 12q14.3.
Variant type: single nucleotide variant.
Coding change: c.502G>A on transcript NM_001031679.3 (MANE Select); coding-DNA position 502, G replaced by A.
Protein change: p.Ala168Thr; replaces alanine 168 with threonine.
Molecular consequence: missense variant.
Genome position (GRCh38, 1-based): chr12:65,463,266, G>A. VCF-style: chr12-65463266-G-A. GRCh37 (hg19) VCF-style: chr12-65857046-G-A.
Other names: p.Ala175Thr; c.502G>A, p.Ala168Thr (NM_001193460.2, NM_001193461.2); c.523G>A, p.Ala175Thr (NM_198080.4); short protein forms A175T, A168T.
Identifiers: ClinVar variation 1369059 (VCV001369059.11), dbSNP rs142488075, ClinGen allele CA6671536.